The following is an entry in ClinVar:

NM_001079866.2(BCS1L):c.336G>A (p.Trp112Ter)

Gene: BCS1L (BCS1 ubiquinol-cytochrome c reductase complex chaperone; plus strand). Cytogenetic location: 2q35.
Variant type: single nucleotide variant.
Coding change: c.336G>A on transcript NM_001079866.2 (MANE Select); coding-DNA position 336, G replaced by A.
Protein change: p.Trp112Ter; replaces tryptophan 112 with a stop codon.
Molecular consequence: nonsense. On other transcripts: 5 prime UTR variant (7), non-coding transcript variant (1), intron variant (1).
Genome position (GRCh38, 1-based): chr2:218,661,421, G>A. VCF-style: chr2-218661421-G-A. GRCh37 (hg19) VCF-style: chr2-219526144-G-A.
Other names: c.336G>A, p.Trp112Ter (NM_001257342.2, NM_001257343.2, NM_001257344.2 and 10 more transcripts); c.-25G>A (NM_001318836.2, NM_001371451.1); c.-141G>A (NM_001371453.1, NM_001371454.1, NM_001371455.1 and 2 more transcripts); c.-41-338G>A (NM_001371452.1); short protein forms W112*.
Identifiers: ClinVar variation 1072216 (VCV001072216.9), dbSNP rs754934987, ClinGen allele CA2109648.
Genomic context (GRCh38, chr2:218,661,421, plus strand): 5'-GGGTTTGACCCATTCACTCACTCAGTTTTGATCGTTCTTATTCAGGTATCGGGGGAAATG[G>A]ATTCGGGTAGAACGAAGTCGAGAGATGCAGATGATAGACTTGCAGACGGGGACTCCTTGG-3'

ClinVar aggregate classification (germline): Pathogenic/Likely pathogenic. Review status: criteria provided, multiple submitters, no conflicts (2 of 4 stars). 3 submissions from 3 submitters: Pathogenic (1); Likely pathogenic (2). Last evaluated 2024-05-16.

Conditions:
GRACILE syndrome (FLNMS). Also called: FELLMAN SYNDROME; FINNISH LETHAL NEONATAL METABOLIC SYNDROME. Identifiers: Orphanet 53693, MedGen C1864002, MONDO:0011308, OMIM 603358.
Pili torti-deafness syndrome (BJS). Also called: Bjornstad syndrome; PILI TORTI AND NERVE DEAFNESS. Identifiers: Orphanet 123, MedGen C0266006, MONDO:0009872, OMIM 262000.
Mitochondrial complex III deficiency nuclear type 1. Identifiers: Orphanet 254902, MedGen C3541471, MONDO:0007415, OMIM 124000.

Allele frequency attached by ClinVar (database versions not stated): TOPMed below 0.00001; gnomAD 0.00001; gnomAD exomes 0.00001; ExAC 0.00002.
gnomAD v4.1: 4 of 1,614,126 alleles (0.00025%); highest among the groups gnomAD compares: African/African-American, 0.0053%; no homozygotes.

Submissions (3):

Fulgent Genetics
Classification: Likely pathogenic for Mitochondrial complex III deficiency nuclear type 1; Pili torti-deafness syndrome; GRACILE syndrome. Last evaluated: 2024-05-16. Review status: criteria provided, single submitter. Criteria: ACMG Guidelines, 2015. Collection method: clinical testing. Allele origin: germline.

Baylor Genetics
Classification: Likely pathogenic for Pili torti-deafness syndrome. Last evaluated: 2024-03-28. Review status: criteria provided, single submitter. Criteria: ACMG Guidelines, 2015. Collection method: clinical testing. Allele origin: unknown.

Labcorp Genetics (formerly Invitae), Labcorp
Classification: Pathogenic. Last evaluated: 2023-10-28. Review status: criteria provided, single submitter. Criteria: Invitae Variant Classification Sherloc (09022015). Collection method: clinical testing. Allele origin: germline.
Comment: This sequence change creates a premature translational stop signal (p.Trp112*) in the BCS1L gene. It is expected to result in an absent or disrupted protein product. Loss-of-function variants in BCS1L are known to be pathogenic (PMID: 12215968, 17314340, 19162478, 19508421, 22277166, 25895478). This variant is present in population databases (rs754934987, gnomAD 0.02%). This variant has not been reported in the literature in individuals affected with BCS1L-related conditions. ClinVar contains an entry for this variant (Variation ID: 1072216). For these reasons, this variant has been classified as Pathogenic.

Literature cited by the submitters: PubMed 12215968 (cited by Labcorp Genetics (formerly Invitae), Labcorp); PubMed 17314340 (cited by Labcorp Genetics (formerly Invitae), Labcorp); PubMed 19162478 (cited by Labcorp Genetics (formerly Invitae), Labcorp); PubMed 19508421 (cited by Labcorp Genetics (formerly Invitae), Labcorp); PubMed 22277166 (cited by Labcorp Genetics (formerly Invitae), Labcorp); PubMed 25895478 (cited by Labcorp Genetics (formerly Invitae), Labcorp).